The following is an entry in ClinVar:

NM_138694.4(PKHD1):c.8269C>T (p.Pro2757Ser)

Gene: PKHD1 (PKHD1 ciliary IPT domain containing fibrocystin/polyductin; minus strand). Cytogenetic location: 6p12.2.
Variant type: single nucleotide variant.
Coding change: c.8269C>T on transcript NM_138694.4 (MANE Select); coding-DNA position 8269, C replaced by T.
Protein change: p.Pro2757Ser; replaces proline 2757 with serine.
Molecular consequence: missense variant.
Genome position (GRCh38, 1-based): chr6:51,830,894, G>A on the plus strand (C>T on the coding strand, the complement: PKHD1 is on the minus strand). VCF-style: chr6-51830894-G-A. GRCh37 (hg19) VCF-style: chr6-51695692-G-A.
Other names: c.8269C>T, p.Pro2757Ser (NM_170724.3); short protein forms P2757S.
Identifiers: ClinVar variation 4855837 (VCV004855837.1).
Genomic context (GRCh38, chr6:51,830,894, plus strand): 5'-ATTCATCTCTTGGGTAGTTTTACTCACTGGGTAAAATGAGAACGTCATCCCCAGGGCCTG[G>A]AATGGTATTGTTGTATCCTCCCCAGCCTTCTTCAACACCTTGCCATGTTTCAGGGAGGGA-3'
Protein context (NP_619639.3, residues 2747-2767): EGWGGYNNTI[Pro2757Ser]GPGDDVLILP

ClinVar aggregate classification (germline): Uncertain significance (1 of 4 stars; one submission).

Conditions:
Polycystic kidney disease 4 (PKD4). Also called: Autosomal Recessive Polycystic Kidney Disease – PKHD1; POLYCYSTIC KIDNEY DISEASE 4 WITH OR WITHOUT POLYCYSTIC LIVER DISEASE; PKD3; POLYCYSTIC KIDNEY AND HEPATIC DISEASE 1; POLYCYSTIC KIDNEY DISEASE, INFANTILE, TYPE I. Identifiers: MedGen C4540575, MONDO:0033004, OMIM 263200.

Submission:

3billion
Classification: Uncertain significance for Polycystic kidney disease 4. Last evaluated: 2025-06-30. Review status: criteria provided, single submitter. Criteria: ACMG Guidelines, 2015. Collection method: clinical testing. Allele origin: germline. Affected: yes.
Comment: The variant is not observed in the gnomAD v4.1.0 dataset. Predicted Consequence/Location: Missense variant. The majority of the known disease-causing variants of this gene are variants expected to result in premature termination of the protein. In silico tool predictions suggest damaging effect of the variant on gene or gene product [REVEL: 0.71 (>=0.6, sensitivity 0.68 and specificity 0.92)]. Different missense changes at the same codon have been reported as of uncertain significance (ClinVar ID: VCV000458607). Therefore, this variant is classified as VUS according to the recommendation of ACMG/AMP guideline.